The following is an entry in ClinVar:

NM_000304.4(PMP22):c.319+1G>A

Gene: PMP22 (peripheral myelin protein 22; minus strand). Cytogenetic location: 17p12.
Variant type: single nucleotide variant.
Coding change: c.319+1G>A on transcript NM_000304.4 (MANE Select); the canonical splice donor site of the intron after coding-DNA position 319, G replaced by A.
Molecular consequence: splice donor variant.
Genome position (GRCh38, 1-based): chr17:15,239,470, C>T on the plus strand (G>A on the coding strand, the complement: PMP22 is on the minus strand). VCF-style: chr17-15239470-C-T. GRCh37 (hg19) VCF-style: chr17-15142787-C-T.
Other names: c.319+1G>A (NM_001281456.2, NM_153321.3, NM_001281455.2 and 2 more transcripts).
Identifiers: ClinVar variation 637382 (VCV000637382.6), dbSNP rs1597607514, ClinGen allele CA398267374.

ClinVar aggregate classification (germline): Pathogenic. Review status: criteria provided, single submitter (1 of 4 stars). 2 submissions from 2 submitters: Pathogenic (1). 1 of the submissions does not count toward it. Last evaluated 2022-12-16.

Conditions:
Charcot-Marie-Tooth disease. Also called: Charcot-Marie-Tooth Hereditary Neuropathy; Charcot-Marie-Tooth Neuropathy. Identifiers: Orphanet 166, MedGen C0007959, MONDO:0015626.
Charcot-Marie-Tooth disease, type I (CMT1). Also called: Charcot-Marie-Tooth disease type 1; Charcot-Marie-Tooth, Type 1. Identifiers: Orphanet 65753, MedGen C0751036, MONDO:0019011.

Submissions (2):

Labcorp Genetics (formerly Invitae), Labcorp
Classification: Pathogenic for Charcot-Marie-Tooth disease, type I. Last evaluated: 2022-12-16. Review status: criteria provided, single submitter. Criteria: Invitae Variant Classification Sherloc (09022015). Collection method: clinical testing. Allele origin: germline.
Comment: This sequence change affects a donor splice site in intron 4 of the PMP22 gene. While this variant is not anticipated to result in nonsense mediated decay, it likely alters RNA splicing and results in a disrupted protein product. This variant is not present in population databases (gnomAD no frequency). Disruption of this splice site has been observed in individuals with clinical features of Charcot-Marie-Tooth disease (PMID: 8012365, 12402337, 31211173; Invitae). ClinVar contains an entry for this variant (Variation ID: 637382). Variants that disrupt the consensus splice site are a relatively common cause of aberrant splicing (PMID: 17576681, 9536098). Algorithms developed to predict the effect of sequence changes on RNA splicing suggest that this variant may disrupt the consensus splice site. For these reasons, this variant has been classified as Pathogenic.

Inherited Neuropathy Consortium
Classification: Uncertain significance for Charcot-Marie-Tooth disease. Review status: no assertion criteria provided. Collection method: literature only. Allele origin: germline. Affected: yes. Not counted in ClinVar's aggregate classification.

Literature cited by the submitters: PubMed 8012365 (cited by Labcorp Genetics (formerly Invitae), Labcorp); PubMed 12402337 (cited by Labcorp Genetics (formerly Invitae), Labcorp and Inherited Neuropathy Consortium); PubMed 31211173 (cited by Labcorp Genetics (formerly Invitae), Labcorp); PubMed 17576681 (cited by Labcorp Genetics (formerly Invitae), Labcorp); PubMed 9536098 (cited by Labcorp Genetics (formerly Invitae), Labcorp).